The following is an entry in ClinVar:

NM_005032.7(PLS3):c.1124A>G (p.Asn375Ser)

Gene: PLS3 (plastin 3; plus strand). Cytogenetic location: Xq23.
Variant type: single nucleotide variant.
Coding change: c.1124A>G on transcript NM_005032.7 (MANE Select); coding-DNA position 1124, A replaced by G.
Protein change: p.Asn375Ser; replaces asparagine 375 with serine.
Molecular consequence: missense variant.
Genome position (GRCh38, 1-based): chrX:115,643,449, A>G. VCF-style: chrX-115643449-A-G. GRCh37 (hg19) VCF-style: chrX-114877761-A-G.
Other names: c.1124A>G, p.Asn375Ser (NM_001136025.5); c.1043A>G, p.Asn348Ser (NM_001172335.3); c.1085A>G, p.Asn362Ser (NM_001282337.2); c.989A>G, p.Asn330Ser (NM_001282338.2); short protein forms N330S, N348S, N362S, N375S.
Identifiers: ClinVar variation 3352125 (VCV003352125.3).

ClinVar aggregate classification (germline): Uncertain significance. Review status: criteria provided, single submitter (1 of 4 stars). 2 submissions from 2 submitters: Uncertain significance (1). 1 of the submissions does not count toward it. Last evaluated 2025-09-29.

Conditions:
PLS3-related disorder. Also called: PLS3-related condition.

gnomAD v4.1: 21 of 1,203,666 alleles (0.0017%); highest among the groups gnomAD compares: African/African-American, 0.033%; no homozygotes.

Submissions (2):

Labcorp Genetics (formerly Invitae), Labcorp
Classification: Uncertain significance. Last evaluated: 2025-09-29. Review status: criteria provided, single submitter. Criteria: Invitae Variant Classification Sherloc (09022015). Collection method: clinical testing. Allele origin: germline.
Comment: This sequence change replaces asparagine, which is neutral and polar, with serine, which is neutral and polar, at codon 375 of the PLS3 protein (p.Asn375Ser). This variant is present in population databases (rs782786594, gnomAD 0.06%). This variant has not been reported in the literature in individuals affected with PLS3-related conditions. ClinVar contains an entry for this variant (Variation ID: 3352125). Invitae Evidence Modeling of protein sequence and biophysical properties (such as structural, functional, and spatial information, amino acid conservation, physicochemical variation, residue mobility, and thermodynamic stability) indicates that this missense variant is expected to disrupt PLS3 protein function with a positive predictive value of 80%. In summary, the available evidence is currently insufficient to determine the role of this variant in disease. Therefore, it has been classified as a Variant of Uncertain Significance.

PreventionGenetics, part of Exact Sciences
Classification: Likely benign for PLS3-related condition. Last evaluated: 2024-03-07. Review status: no assertion criteria provided. Collection method: clinical testing. Allele origin: germline. Not counted in ClinVar's aggregate classification.
Comment: This variant is classified as likely benign based on ACMG/AMP sequence variant interpretation guidelines (Richards et al. 2015 PMID: 25741868, with internal and published modifications).